The following is an entry in ClinVar:

NM_000574.5(CD55):c.995_1003del (p.Pro332_Ser334del)

Gene: CD55 (CD55 molecule (Cromer blood group); plus strand). Cytogenetic location: 1q32.2.
Variant type: Deletion.
Coding change: c.995_1003del on transcript NM_000574.5 (MANE Select); coding-DNA positions 995 to 1003, 9 bases deleted (CTGTTTCCA; older notation c.995_1003delCTGTTTCCA).
Protein change: p.Pro332_Ser334del.
Molecular consequence: inframe deletion. On other transcripts: non-coding transcript variant (1).
Genome position (GRCh38, 1-based): chr1:207,337,344-207,337,352, CTGTTTCCA deleted. VCF-style (leftmost placement, unchanged base first): chr1-207337343-CCTGTTTCCA-C. GRCh37 (hg19) VCF-style: chr1-207510688-CCTGTTTCCA-C.
Other names: c.995_1003del, p.Pro332_Ser334del (NM_001114752.3, NM_001300902.2, NM_001300903.2 and 1 more transcripts).
Identifiers: ClinVar variation 1485017 (VCV001485017.8), dbSNP rs2102408429, ClinGen allele CA2573131503.

ClinVar aggregate classification (germline): Uncertain significance (1 of 4 stars; one submission).

Submission:

Labcorp Genetics (formerly Invitae), Labcorp
Classification: Uncertain significance. Last evaluated: 2022-09-19. Review status: criteria provided, single submitter. Criteria: Invitae Variant Classification Sherloc (09022015). Collection method: clinical testing. Allele origin: germline.
Comment: In summary, the available evidence is currently insufficient to determine the role of this variant in disease. Therefore, it has been classified as a Variant of Uncertain Significance. This variant, c.995_1003del, results in the deletion of 3 amino acid(s) of the CD55 protein (p.Pro332_Ser334del), but otherwise preserves the integrity of the reading frame. This variant is not present in population databases (gnomAD no frequency). This variant has not been reported in the literature in individuals affected with CD55-related conditions. ClinVar contains an entry for this variant (Variation ID: 1485017). Experimental studies and prediction algorithms are not available or were not evaluated, and the functional significance of this variant is currently unknown.